The following is an entry in ClinVar:

ClinVar aggregate classification (germline): Pathogenic. Review status: reviewed by expert panel (3 of 4 stars). 5 submissions from 5 submitters: Pathogenic (1). 4 of the submissions do not count toward it. Last evaluated 2016-09-08.

Conditions:
Hereditary cancer-predisposing syndrome. Also called: Hereditary Cancer Syndrome; Neoplastic Syndromes, Hereditary; Hereditary neoplastic syndrome; Tumor predisposition. Identifiers: Orphanet 140162, MedGen C0027672, MeSH D009386, MONDO:0015356.
Hereditary breast ovarian cancer syndrome. Also called: Breast and ovarian cancer; Hereditary breast and/or ovarian cancer syndrome; Hereditary breast and ovarian cancer; Hereditary breast and ovarian cancer syndrome; Hereditary breast and ovarian cancer syndrome (HBOC); BRCA1- and BRCA2-Associated Hereditary Breast and Ovarian Cancer. Identifiers: Orphanet 145, MedGen C0677776, MeSH D061325, MONDO:0003582. Disease mechanism: loss of function.
Breast-ovarian cancer, familial, susceptibility to, 2 (BROVCA2). Also called: BRCA2 Hereditary Breast and Ovarian Cancer. Identifiers: Orphanet 145, MedGen C2675520, MONDO:0012933, OMIM 612555. Disease mechanism: loss of function.

Submissions (5):

Evidence-based Network for the Interpretation of Germline Mutant Alleles (ENIGMA)
Classification: Pathogenic for Breast-ovarian cancer, familial, susceptibility to, 2. Last evaluated: 2016-09-08. Review status: reviewed by expert panel. Criteria: ENIGMA BRCA1/2 Classification Criteria (2015). Collection method: curation. Allele origin: germline.
Comment: Variant allele predicted to encode a truncated non-functional protein.

Ambry Genetics
Classification: Pathogenic for Hereditary cancer-predisposing syndrome. Last evaluated: 2024-04-01. Review status: criteria provided, single submitter. Criteria: Ambry Variant Classification Scheme 2023. Collection method: clinical testing. Allele origin: germline. Not counted in ClinVar's aggregate classification.
Comment: The c.3779delT pathogenic mutation, located in coding exon 10 of the BRCA2 gene, results from a deletion of one nucleotide at nucleotide position 3779, causing a translational frameshift with a predicted alternate stop codon (p.L1260Yfs*16). This variant is considered to be rare based on population cohorts in the Genome Aggregation Database (gnomAD). This alteration is expected to result in loss of function by premature protein truncation or nonsense-mediated mRNA decay. As such, this alteration is interpreted as a disease-causing mutation.

Labcorp Genetics (formerly Invitae), Labcorp
Classification: Pathogenic for Hereditary breast ovarian cancer syndrome. Last evaluated: 2024-03-13. Review status: criteria provided, single submitter. Criteria: Invitae Variant Classification Sherloc (09022015). Collection method: clinical testing. Allele origin: germline. Not counted in ClinVar's aggregate classification.
Comment: This sequence change creates a premature translational stop signal (p.Leu1260Tyrfs*16) in the BRCA2 gene. It is expected to result in an absent or disrupted protein product. Loss-of-function variants in BRCA2 are known to be pathogenic (PMID: 20104584). This variant is not present in population databases (gnomAD no frequency). This variant has not been reported in the literature in individuals affected with BRCA2-related conditions. ClinVar contains an entry for this variant (Variation ID: 96798). For these reasons, this variant has been classified as Pathogenic.

Consortium of Investigators of Modifiers of BRCA1/2 (CIMBA), c/o University of Cambridge
Classification: Pathogenic for Breast-ovarian cancer, familial, susceptibility to, 2. Last evaluated: 2015-10-02. Review status: criteria provided, single submitter. Criteria: CIMBA Mutation Classification guidelines May 2016. Collection method: clinical testing. Allele origin: germline. Not counted in ClinVar's aggregate classification.

Sharing Clinical Reports Project (SCRP)
Classification: Pathogenic for Breast-ovarian cancer, familial 2. Last evaluated: 2012-05-01. Review status: no assertion criteria provided. Collection method: clinical testing. Allele origin: germline. Not counted in ClinVar's aggregate classification.

Literature cited by the submitters: PubMed 20104584 (cited by Labcorp Genetics (formerly Invitae), Labcorp).

NM_000059.4(BRCA2):c.3779del (p.Leu1260fs)

Gene: BRCA2 (BRCA2 DNA repair associated; plus strand). Cytogenetic location: 13q13.1.
Variant type: Deletion.
Coding change: c.3779del on transcript NM_000059.4 (MANE Select); coding-DNA position 3779, one base deleted (T; older notation c.3779delT).
Protein change: p.Leu1260fs; shifts the reading frame from leucine 1260.
Molecular consequence: frameshift variant.
Genome position (GRCh38, 1-based): chr13:32,338,134, T deleted; the last of 3 consecutive T bases (chr13:32,338,132-32,338,134); deleting any one gives the same sequence. VCF-style (leftmost placement, unchanged base first): chr13-32338131-GT-G. GRCh37 (hg19) VCF-style: chr13-32912268-GT-G.
Other names: 4007delT; c.3779delT (NM_000059.3).
Identifiers: ClinVar variation 96798 (VCV000096798.8), dbSNP rs397507686, ClinGen allele CA018789.
Genomic context (GRCh38, chr13:32,338,131, plus strand): 5'-AACTGTTTAGTGATATTGAGAATATTAGTGAGGAAACTTCTGCAGAGGTACATCCAATAA[GT>G]TTATCTTCAAGTAAATGTCATGATTCTGTTGTTTCAATGTTTAAGATAGAAAATCATAAT-3'